The following is an entry in ClinVar:

ClinVar aggregate classification (germline): Benign (1 of 4 stars; one submission).

Allele frequency attached by ClinVar (database versions not stated): gnomAD 0.11613 and 0.11777; TOPMed 0.11732; 1000 Genomes Project 0.12899; 1000 Genomes Project 30x 0.13226.
gnomAD v4.1: 17,598 of 152,026 alleles (12%); highest among the groups gnomAD compares: African/African-American, 17%; 1,203 homozygotes.

Submission:

GeneDx
Classification: Benign. Last evaluated: 2018-06-16. Review status: criteria provided, single submitter. Criteria: GeneDx Variant Classification (06012015). Collection method: clinical testing. Allele origin: germline. Affected: yes.
Comment: This variant is considered likely benign or benign based on one or more of the following criteria: it is a conservative change, it occurs at a poorly conserved position in the protein, it is predicted to be benign by multiple in silico algorithms, and/or has population frequency not consistent with disease.

NM_032578.4(MYPN):c.1246-235C>T

Gene: MYPN (myopalladin; plus strand). Cytogenetic location: 10q21.3.
Variant type: single nucleotide variant.
Coding change: c.1246-235C>T on transcript NM_032578.4 (MANE Select); 235 bases into the intron before coding-DNA position 1246, C replaced by T.
Molecular consequence: intron variant.
Genome position (GRCh38, 1-based): chr10:68,149,805, C>T. VCF-style: chr10-68149805-C-T. GRCh37 (hg19) VCF-style: chr10-69909562-C-T.
Other names: c.1246-235C>T (NM_001256267.2); c.364-235C>T (NM_001256268.2).
Identifiers: ClinVar variation 678619 (VCV000678619.1), dbSNP rs12242494, ClinGen allele CA13354047.